The following is an entry in ClinVar:

NM_004385.5(VCAN):c.1280C>T (p.Thr427Ile)

Gene: VCAN (versican; plus strand). Cytogenetic location: 5q14.3.
Variant type: single nucleotide variant.
Coding change: c.1280C>T on transcript NM_004385.5 (MANE Select); coding-DNA position 1280, C replaced by T.
Protein change: p.Thr427Ile; replaces threonine 427 with isoleucine.
Molecular consequence: missense variant. On other transcripts: intron variant (2).
Genome position (GRCh38, 1-based): chr5:83,519,586, C>T. VCF-style: chr5-83519586-C-T. GRCh37 (hg19) VCF-style: chr5-82815405-C-T.
Other names: c.1280C>T, p.Thr427Ile (NM_001164098.2); c.1042+7190C>T (NM_001164097.2, NM_001126336.3); short protein forms T427I.
Identifiers: ClinVar variation 2755674 (VCV002755674.3), dbSNP rs2479046882, ClinGen allele CA360299692.
Genomic context (GRCh38, chr5:83,519,586, plus strand): 5'-AAGCCACAGTCCAACCTCAGGCTATCACAGATAGTTTAGCCACCAAATTACCCACACCTA[C>T]TGGCAGTACCAAGAAGCCCTGGGATATGGATGACTACTCACCTTCTGCTTCAGGACCTCT-3'
Protein context (NP_004376.2, residues 417-437): DSLATKLPTP[Thr427Ile]GSTKKPWDMD

ClinVar aggregate classification (germline): Uncertain significance (1 of 4 stars; one submission).

Submission:

Labcorp Genetics (formerly Invitae), Labcorp
Classification: Uncertain significance. Last evaluated: 2024-05-23. Review status: criteria provided, single submitter. Criteria: Invitae Variant Classification Sherloc (09022015). Collection method: clinical testing. Allele origin: germline.
Comment: This sequence change replaces threonine, which is neutral and polar, with isoleucine, which is neutral and non-polar, at codon 427 of the VCAN protein (p.Thr427Ile). This variant is not present in population databases (gnomAD no frequency). This variant has not been reported in the literature in individuals affected with VCAN-related conditions. An algorithm developed to predict the effect of missense changes on protein structure and function (PolyPhen-2) suggests that this variant is likely to be tolerated. In summary, the available evidence is currently insufficient to determine the role of this variant in disease. Therefore, it has been classified as a Variant of Uncertain Significance.